The following is an entry in ClinVar:

NM_024122.5(APOO):c.518G>A (p.Gly173Glu)

Gene: APOO (apolipoprotein O; minus strand). Cytogenetic location: Xp22.11.
Variant type: single nucleotide variant.
Coding change: c.518G>A on transcript NM_024122.5 (MANE Select); coding-DNA position 518, G replaced by A.
Protein change: p.Gly173Glu; replaces glycine 173 with glutamic acid.
Molecular consequence: missense variant. On other transcripts: non-coding transcript variant (1).
Genome position (GRCh38, 1-based): chrX:23,856,345, C>T on the plus strand (G>A on the coding strand, the complement: APOO is on the minus strand). VCF-style: chrX-23856345-C-T. GRCh37 (hg19) VCF-style: chrX-23874462-C-T.
Other names: short protein forms G173E.
Identifiers: ClinVar variation 4538197 (VCV004538197.1).

ClinVar aggregate classification (germline): Uncertain significance (1 of 4 stars; one submission).

gnomAD v4.1: 1 of 1,208,276 alleles (0.000083%); highest among the groups gnomAD compares: African/African-American, 0.0018%; no homozygotes.

Submission:

Greenwood Genetic Center Diagnostic Laboratories, Greenwood Genetic Center
Classification: Uncertain significance. Last evaluated: 2025-04-29. Review status: criteria provided, single submitter. Criteria: ACMG Guidelines, 2015. Collection method: clinical testing. Allele origin: germline. Affected: yes.
Comment: Gene of Uncertain Significance